The following is an entry in ClinVar:

ClinVar aggregate classification (germline): Uncertain significance (1 of 4 stars; one submission).

Conditions:
Hypertrophic cardiomyopathy 14. Identifiers: MedGen C2750467, MONDO:0013197, OMIM 613251.

Submission:

Labcorp Genetics (formerly Invitae), Labcorp
Classification: Uncertain significance for Hypertrophic cardiomyopathy 14. Last evaluated: 2025-02-11. Review status: criteria provided, single submitter. Criteria: Invitae Variant Classification Sherloc (09022015). Collection method: clinical testing. Allele origin: germline.
Comment: This variant, c.5805_5806delinsTT, is a complex sequence change that results in the deletion of 2 and insertion of 2 amino acid(s) in the MYH6 protein (p.Met1935_His1936delinsIleTyr). Information on the frequency of this variant in the gnomAD database is not available, as this variant may be reported differently in the database. This variant has not been reported in the literature in individuals affected with MYH6-related conditions. Experimental studies and prediction algorithms are not available or were not evaluated, and the functional significance of this variant is currently unknown. In summary, the available evidence is currently insufficient to determine the role of this variant in disease. Therefore, it has been classified as a Variant of Uncertain Significance.

NM_002471.4(MYH6):c.5805_5806delinsTT (p.Met1935_His1936delinsIleTyr)

Gene: MYH6 (myosin heavy chain 6; minus strand). Cytogenetic location: 14q11.2.
Variant type: Indel.
Coding change: c.5805_5806delinsTT on transcript NM_002471.4 (MANE Select); coding-DNA positions 5805 to 5806, GC replaced by TT.
Protein change: p.Met1935_His1936delinsIleTyr.
Molecular consequence: missense variant.
Genome position (GRCh38, 1-based): chr14:23,382,054-23,382,055, GC replaced by AA on the plus strand (GC replaced by TT on the coding strand, the reverse complement: MYH6 is on the minus strand). VCF-style: chr14-23382054-GC-AA. GRCh37 (hg19) VCF-style: chr14-23851263-GC-AA.
Identifiers: ClinVar variation 4774803 (VCV004774803.1).